The following is an entry in ClinVar:

NC_000017.10:g.(?_15133094)_(15164078_?)dup

Gene: PMP22 (peripheral myelin protein 22; minus strand). Cytogenetic location: 17p12.
Variant type: Duplication.
Identifiers: ClinVar variation 2500820 (VCV002500820.1).

ClinVar aggregate classification (germline): Pathogenic (1 of 4 stars; one submission).

Conditions:
Charcot-Marie-Tooth disease, type IA (CMT1A). Also called: HEREDITARY MOTOR AND SENSORY NEUROPATHY IA; Charcot-Marie-Tooth disease type 1A; CMT 1A; Hereditary motor and sensory neuropathy 1A; HMSN 1A; CHARCOT-MARIE-TOOTH DISEASE, DEMYELINATING, TYPE 1A. Identifiers: Orphanet 101081, MedGen C0270911, MONDO:0007309, OMIM 118220.

Submission:

Pangenia Genomics, Pangenia Inc.
Classification: Pathogenic for Charcot-Marie-Tooth disease, type IA. Last evaluated: 2022-10-14. Review status: criteria provided, single submitter. Criteria: ACMG/ClinGen CNV Guidelines, 2019. Collection method: research. Allele origin: unknown. Inheritance: Autosomal dominant inheritance. Affected: yes.
Comment: A copy number gain (copy number = 3) of the genomic region encompassing the full coding sequence of the PMP22 gene has been identified. Duplications of the region on chromosome 17p11.2 which contain the PMP22 gene cause Charcot-Marie-Tooth disease type 1A (CMT1A) (PMID: 1677316, 1822787). These reported duplications have been shown to lead to increased gene dosage as the functional defect in patients with CMT1A (PMID: 1303230). It has also been observed to segregate with disease in related individuals.

Literature cited by the submitters: PubMed 1677316; PubMed 1822787.